The following is an entry in ClinVar:

NM_000528.4(MAN2B1):c.1259G>T (p.Gly420Val)

Gene: MAN2B1 (mannosidase alpha class 2B member 1; minus strand). Cytogenetic location: 19p13.13.
Variant type: single nucleotide variant.
Coding change: c.1259G>T on transcript NM_000528.4 (MANE Select); coding-DNA position 1259, G replaced by T.
Protein change: p.Gly420Val; replaces glycine 420 with valine.
Molecular consequence: missense variant.
Genome position (GRCh38, 1-based): chr19:12,658,113, C>A on the plus strand (G>T on the coding strand, the complement: MAN2B1 is on the minus strand). VCF-style: chr19-12658113-C-A. GRCh37 (hg19) VCF-style: chr19-12768927-C-A.
Other names: c.1256G>T, p.Gly419Val (NM_001173498.2); short protein forms G420V, G419V.
Identifiers: ClinVar variation 208264 (VCV000208264.6), dbSNP rs772853856, ClinGen allele CA350942.

ClinVar aggregate classification (germline): Conflicting classifications of pathogenicity. Review status: criteria provided, conflicting classifications (1 of 4 stars). 5 submissions from 5 submitters: Likely pathogenic (1); Uncertain significance (3). 1 of the submissions does not count toward it. Last evaluated 2025-06-06.

Conditions:
Deficiency of alpha-mannosidase (MANSA). Also called: LYSOSOMAL ALPHA-D-MANNOSIDASE DEFICIENCY; Mannosidosis, alpha-, types I and II; Alpha-Mannosidosis. Identifiers: Orphanet 61, MedGen C0024748, MONDO:0009561, OMIM 248500.

Allele frequency attached by ClinVar (database versions not stated): gnomAD 0.00001; gnomAD exomes 0.00001; ExAC 0.00002; TOPMed 0.00002.
gnomAD v4.1: 11 of 1,613,386 alleles (0.00068%); highest among the groups gnomAD compares: Admixed American, 0.0083%; no homozygotes.

Submissions (5):

Women's Health and Genetics/Laboratory Corporation of America, LabCorp
Classification: Uncertain significance. Last evaluated: 2025-06-06. Review status: criteria provided, single submitter. Criteria: LabCorp Variant Classification Summary - May 2015. Collection method: clinical testing. Allele origin: germline.
Comment: Variant summary: MAN2B1 c.1259G>T (p.Gly420Val) results in a non-conservative amino acid change in the encoded protein sequence. Algorithms developed to predict the effect of missense changes on protein structure and function all suggest that this variant is likely to be disruptive. The variant allele was found at a frequency of 1.2e-05 in 249208 control chromosomes. c.1259G>T has been observed in an individual affected with leukodystrophy who had reduced alpha-mannosidosis activity (Castelnovo_2007). This report does not provide unequivocal conclusions about association of the variant with Deficiency of alpha-mannosidase. Experimental studies evaluating an impact on protein function have reported that the variant is processed into a peptide that localizes to the lysosome, but is not secreted, resulting in <20% of WT activity (e.g. Kuokkanen_2011, Riise Stensland_2012). The following publications have been ascertained in the context of this evaluation (PMID: 17404523, 21505070, 22161967). ClinVar contains an entry for this variant (Variation ID: 208264). Based on the evidence outlined above, the variant was classified as VUS-possibly pathogenic.

Baylor Genetics
Classification: Likely pathogenic for Deficiency of alpha-mannosidase. Last evaluated: 2023-07-26. Review status: criteria provided, single submitter. Criteria: ACMG Guidelines, 2015. Collection method: clinical testing. Allele origin: unknown.

Labcorp Genetics (formerly Invitae), Labcorp
Classification: Uncertain significance for Deficiency of alpha-mannosidase. Last evaluated: 2022-10-22. Review status: criteria provided, single submitter. Criteria: Invitae Variant Classification Sherloc (09022015). Collection method: clinical testing. Allele origin: germline.
Comment: This sequence change replaces glycine, which is neutral and non-polar, with valine, which is neutral and non-polar, at codon 420 of the MAN2B1 protein (p.Gly420Val). This variant is present in population databases (rs772853856, gnomAD 0.01%). This missense change has been observed in individual(s) with leukodystrophy (PMID: 17404523). ClinVar contains an entry for this variant (Variation ID: 208264). Advanced modeling of protein sequence and biophysical properties (such as structural, functional, and spatial information, amino acid conservation, physicochemical variation, residue mobility, and thermodynamic stability) performed at Invitae indicates that this missense variant is not expected to disrupt MAN2B1 protein function. Experimental studies have shown that this missense change affects MAN2B1 function (PMID: 21505070, 22161967). In summary, the available evidence is currently insufficient to determine the role of this variant in disease. Therefore, it has been classified as a Variant of Uncertain Significance.

Fulgent Genetics
Classification: Uncertain significance for Deficiency of alpha-mannosidase. Last evaluated: 2022-05-07. Review status: criteria provided, single submitter. Criteria: ACMG Guidelines, 2015. Collection method: clinical testing. Allele origin: unknown.

ClinVar Staff, National Center for Biotechnology Information (NCBI)
Classification: Uncertain significance for Deficiency of alpha-mannosidase. Last evaluated: 2012-06-07. Review status: no assertion criteria provided. Collection method: literature only. Allele origin: germline. Affected: yes. Not counted in ClinVar's aggregate classification.

Literature cited by the submitters: PubMed 22161967 (cited by 3 submitters); PubMed 21505070 (cited by Women's Health and Genetics/Laboratory Corporation of America, LabCorp and Labcorp Genetics (formerly Invitae), Labcorp); PubMed 17404523 (cited by Women's Health and Genetics/Laboratory Corporation of America, LabCorp and Labcorp Genetics (formerly Invitae), Labcorp).